The following is an entry in ClinVar:

ClinVar aggregate classification (germline): Likely benign (1 of 4 stars; one submission).

Submission:

CeGaT Center for Human Genetics Tuebingen
Classification: Likely benign. Last evaluated: 2026-04-01. Review status: criteria provided, single submitter. Criteria: CeGaT Center For Human Genetics Tuebingen Variant Classification Criteria Version 2. Collection method: clinical testing. Allele origin: germline. Affected: yes. Observed: 1 variant allele.
Comment: C1QB: BP4, BP7

NM_001378156.1(C1QB):c.456G>A (p.Glu152=)

Gene: C1QB (complement C1q B chain; plus strand). Cytogenetic location: 1p36.12.
Variant type: single nucleotide variant.
Coding change: c.456G>A on transcript NM_001378156.1 (MANE Select); coding-DNA position 456, G replaced by A.
Protein change: p.Glu152=; no amino-acid change (glutamic acid 152 retained).
Molecular consequence: synonymous variant.
Genome position (GRCh38, 1-based): chr1:22,661,086, G>A. VCF-style: chr1-22661086-G-A. GRCh37 (hg19) VCF-style: chr1-22987579-G-A.
Other names: c.462G>A, p.Glu154= (NM_000491.5); c.456G>A, p.Glu152= (NM_001371184.3).
Identifiers: ClinVar variation 4874058 (VCV004874058.2).
Genomic context (GRCh38, chr1:22,661,086, plus strand): 5'-GCGCCGGGACCAGACCATCCGCTTCGACCACGTGATCACCAACATGAACAACAATTATGA[G>A]CCCCGCAGTGGCAAGTTCACCTGCAAGGTGCCCGGTCTCTACTACTTCACCTACCACGCC-3'
Protein context (NP_001365085.1, residues 142-162): HVITNMNNNY[Glu152=]PRSGKFTCKV